The following is an entry in ClinVar:

NM_152641.4(ARID2):c.4507G>A (p.Val1503Ile)

Gene: ARID2 (AT-rich interaction domain 2; plus strand). Cytogenetic location: 12q12.
Variant type: single nucleotide variant.
Coding change: c.4507G>A on transcript NM_152641.4 (MANE Select); coding-DNA position 4507, G replaced by A.
Protein change: p.Val1503Ile; replaces valine 1503 with isoleucine.
Molecular consequence: missense variant.
Genome position (GRCh38, 1-based): chr12:45,852,630, G>A. VCF-style: chr12-45852630-G-A. GRCh37 (hg19) VCF-style: chr12-46246413-G-A.
Other names: c.4507G>A, p.Val1503Ile (NM_001347839.2); short protein forms V1503I.
Identifiers: ClinVar variation 4085436 (VCV004085436.8).

ClinVar aggregate classification (germline): Likely benign (1 of 4 stars; one submission).

gnomAD v4.1: 27 of 1,614,114 alleles (0.0017%); highest among the groups gnomAD compares: African/African-American, 0.0053%; no homozygotes.

Submission:

CeGaT Center for Human Genetics Tuebingen
Classification: Likely benign. Last evaluated: 2025-07-01. Review status: criteria provided, single submitter. Criteria: CeGaT Center For Human Genetics Tuebingen Variant Classification Criteria Version 2. Collection method: clinical testing. Allele origin: germline. Affected: yes. Observed: 1 variant allele.
Comment: ARID2: BP4